The following is an entry in ClinVar:

ClinVar aggregate classification (germline): Uncertain significance (1 of 4 stars; one submission).

Allele frequency attached by ClinVar (database versions not stated): gnomAD exomes below 0.00001.
gnomAD v4.1: 1 of 1,614,186 alleles (0.000062%); highest among the groups gnomAD compares: Non-Finnish European, 0.000085%; no homozygotes.

Submission:

Ambry Genetics
Classification: Uncertain significance. Last evaluated: 2022-06-04. Review status: criteria provided, single submitter. Criteria: Ambry Variant Classification Scheme 2023. Collection method: clinical testing. Allele origin: germline.
Comment: The p.S1259N variant (also known as c.3776G>A), located in coding exon 4 of the ALPK2 gene, results from a G to A substitution at nucleotide position 3776. The serine at codon 1259 is replaced by asparagine, an amino acid with highly similar properties. This amino acid position is conserved. In addition, this alteration is predicted to be tolerated by in silico analysis. Since supporting evidence is limited at this time, the clinical significance of this alteration remains unclear.

NM_052947.4(ALPK2):c.3776G>A (p.Ser1259Asn)

Genes: ALPK2 (alpha kinase 2; minus strand), LOC126862764 (BRD4-independent group 4 enhancer GRCh37_chr18:56202574-56203773; plus strand). Cytogenetic location: 18q21.31.
Variant type: single nucleotide variant.
Coding change: c.3776G>A on transcript NM_052947.4 (MANE Select); coding-DNA position 3776, G replaced by A.
Protein change: p.Ser1259Asn; replaces serine 1259 with asparagine.
Molecular consequence: missense variant.
Genome position (GRCh38, 1-based): chr18:58,536,411, C>T on the plus strand (G>A on the coding strand, the complement: ALPK2 is on the minus strand). VCF-style: chr18-58536411-C-T. GRCh37 (hg19) VCF-style: chr18-56203643-C-T.
Other names: short protein forms S1259N.
Identifiers: ClinVar variation 1734799 (VCV001734799.2), dbSNP rs2518875965, ClinGen allele CA402565675.
Genomic context (GRCh38, chr18:58,536,411, plus strand): 5'-AGACTATCAGGTACAGCCCAGACCTTGTCAGGAATTATGAGACCACCGTCTGATGCCTTG[C>T]TCTCAGAATTTGTCAGTTGTCGTGGTGGCCAGATTTCAGAAGCGGAAGCCTCTAGAGTTA-3'
Protein context (NP_443179.3, residues 1249-1269): WPPRQLTNSE[Ser1259Asn]KASDGGLIIP